The following is an entry in ClinVar:

NM_004933.3(CDH15):c.1232+2T>A

Gene: CDH15 (cadherin 15; plus strand). Cytogenetic location: 16q24.3.
Variant type: single nucleotide variant.
Coding change: c.1232+2T>A on transcript NM_004933.3 (MANE Select); the canonical splice donor site of the intron after coding-DNA position 1232, T replaced by A.
Molecular consequence: splice donor variant.
Genome position (GRCh38, 1-based): chr16:89,190,498, T>A. VCF-style: chr16-89190498-T-A. GRCh37 (hg19) VCF-style: chr16-89256906-T-A.
Identifiers: ClinVar variation 420376 (VCV000420376.36), dbSNP rs758178918, ClinGen allele CA8239183.
Genomic context (GRCh38, chr16:89,190,498, plus strand): 5'-ACTCTGGTGGCCACCTTCTCTGCCCGGGACCCTGACACAGAGCAGCTGCAGAGGCTCAGG[T>A]GGGGCTCCTGAGGCCCTGGGAGAGGTAGAGGAGGCTAACGGCCCCATTCCTGCTTCGGGT-3'

ClinVar aggregate classification (germline): Uncertain significance. Review status: criteria provided, multiple submitters, no conflicts (2 of 4 stars). 2 submissions from 2 submitters: Uncertain significance (2). Last evaluated 2022-03-01.

Allele frequency attached by ClinVar (database versions not stated): gnomAD 0.00001; gnomAD exomes 0.00001; TOPMed 0.00001; ExAC 0.00002.

Submissions (2):

CeGaT Center for Human Genetics Tuebingen
Classification: Uncertain significance. Last evaluated: 2022-03-01. Review status: criteria provided, single submitter. Criteria: CeGaT Center For Human Genetics Tuebingen Variant Classification Criteria Version 2. Collection method: clinical testing. Allele origin: germline. Affected: yes. Observed: 1 variant allele.

GeneDx
Classification: Uncertain significance. Last evaluated: 2019-10-17. Review status: criteria provided, single submitter. Criteria: GeneDx Variant Classification Process June 2021. Collection method: clinical testing. Allele origin: germline. Affected: yes.
Comment: Not observed at a significant frequency in large population cohorts (Lek et al., 2016); Canonical splice site variant in a gene for which loss-of-function is not a known mechanism of disease; Has not been previously published as pathogenic or benign to our knowledge